The following is an entry in ClinVar:

NM_003995.4(NPR2):c.941T>A (p.Leu314Gln)

Gene: NPR2 (natriuretic peptide receptor 2; plus strand). Cytogenetic location: 9p13.3.
Variant type: single nucleotide variant.
Coding change: c.941T>A on transcript NM_003995.4 (MANE Select); coding-DNA position 941, T replaced by A.
Protein change: p.Leu314Gln; replaces leucine 314 with glutamine.
Molecular consequence: missense variant.
Genome position (GRCh38, 1-based): chr9:35,799,685, T>A. VCF-style: chr9-35799685-T-A. GRCh37 (hg19) VCF-style: chr9-35799682-T-A.
Other names: c.941T>A, p.Leu314Gln (NM_001378923.1); short protein forms L314Q.
Identifiers: ClinVar variation 4787554 (VCV004787554.1).

ClinVar aggregate classification (germline): Uncertain significance (1 of 4 stars; one submission).

Conditions:
Tall stature-scoliosis-macrodactyly of the great toes syndrome. Also called: Epiphyseal chondrodysplasia, miura type. Identifiers: Orphanet 329191, MedGen C4014690, MONDO:0014401, OMIM 615923.
Acromesomelic dysplasia 1, Maroteaux type (AMD1). Also called: ST. HELENA DYSPLASIA; ACROMESOMELIC DYSPLASIA 1. Identifiers: Orphanet 40, MedGen C1864356, MONDO:0011275, OMIM 602875.

Submission:

Labcorp Genetics (formerly Invitae), Labcorp
Classification: Uncertain significance for Tall stature-scoliosis-macrodactyly of the great toes syndrome; Acromesomelic dysplasia 1, Maroteaux type. Last evaluated: 2025-02-19. Review status: criteria provided, single submitter. Criteria: Invitae Variant Classification Sherloc (09022015). Collection method: clinical testing. Allele origin: germline.
Comment: This sequence change replaces leucine, which is neutral and non-polar, with glutamine, which is neutral and polar, at codon 314 of the NPR2 protein (p.Leu314Gln). This variant is not present in population databases (gnomAD no frequency). This missense change has been observed in individual(s) with short stature (PMID: 28939912). An algorithm developed to predict the effect of missense changes on protein structure and function (PolyPhen-2) suggests that this variant is likely to be tolerated. In summary, the available evidence is currently insufficient to determine the role of this variant in disease. Therefore, it has been classified as a Variant of Uncertain Significance.

Literature cited by the submitters: PubMed 28939912.